The following is an entry in ClinVar:

ClinVar aggregate classification (germline): Pathogenic. Review status: criteria provided, multiple submitters, no conflicts (2 of 4 stars). 4 submissions from 4 submitters: Pathogenic (2). 2 of the submissions do not count toward it. Last evaluated 2023-07-28.

Conditions:
Charcot-Marie-Tooth disease axonal type 2X. Also called: CHARCOT-MARIE-TOOTH DISEASE, AXONAL, AUTOSOMAL RECESSIVE, TYPE 2X; CHARCOT-MARIE-TOOTH NEUROPATHY, TYPE 2X. Identifiers: Orphanet 466775, MedGen C5569024, MONDO:0014726, OMIM 616668.
Hereditary spastic paraplegia 11. Also called: SPASTIC PARAPLEGIA, AUTOSOMAL RECESSIVE, COMPLICATED, WITH THIN CORPUS CALLOSUM; SPASTIC PARAPLEGIA, AUTOSOMAL RECESSIVE, WITH MENTAL IMPAIRMENT AND THIN CORPUS CALLOSUM; Spastic paraplegia, mental retardation and thin corpus callosum; Spastic Paraplegia 11; Nakamura Osame syndrome; Autosomal recessive hereditary spastic paraplegia, mental impairment, and thin corpus callosum. Identifiers: Orphanet 2822, MedGen C1858479, MONDO:0011445, OMIM 604360.

Allele frequency attached by ClinVar (database versions not stated): gnomAD exomes 0.00001.
gnomAD v4.1: 4 of 1,613,764 alleles (0.00025%); highest among the groups gnomAD compares: East Asian, 0.0089%; no homozygotes.

Submissions (4):

Labcorp Genetics (formerly Invitae), Labcorp
Classification: Pathogenic for Hereditary spastic paraplegia 11. Last evaluated: 2023-07-28. Review status: criteria provided, single submitter. Criteria: Invitae Variant Classification Sherloc (09022015). Collection method: clinical testing. Allele origin: germline.
Comment: This sequence change affects a donor splice site in intron 18 of the SPG11 gene. It is expected to disrupt RNA splicing. Variants that disrupt the donor or acceptor splice site typically lead to a loss of protein function (PMID: 16199547), and loss-of-function variants in SPG11 are known to be pathogenic (PMID: 19105190, 20110243, 22154821, 26556829). This variant is not present in population databases (gnomAD no frequency). Disruption of this splice site has been observed in individual(s) with hereditary spastic paraplegia (PMID: 19513778, 28119845; Invitae). In at least one individual the data is consistent with being in trans (on the opposite chromosome) from a pathogenic variant. ClinVar contains an entry for this variant (Variation ID: 41304). Algorithms developed to predict the effect of sequence changes on RNA splicing suggest that this variant may disrupt the consensus splice site. For these reasons, this variant has been classified as Pathogenic.

Knight Diagnostic Laboratories, Oregon Health and Sciences University
Classification: Pathogenic for Charcot-marie-tooth disease, axonal, type 2x. Last evaluated: 2018-06-22. Review status: criteria provided, single submitter. Criteria: ACMG Guidelines, 2015. Collection method: clinical testing. Allele origin: germline. Observed: 1 variant allele.

Department of Rehabilitation Medicine, Incheon St. Mary’s Hospital, College of Medicine, The Catholic University of Korea
Classification: Pathogenic for Hereditary spastic paraplegia 11. Last evaluated: 2019-02-11. Review status: no assertion criteria provided. Collection method: research. Allele origin: unknown. Inheritance: Autosomal recessive inheritance. Affected: yes. Observed: 1 compound heterozygote. Not counted in ClinVar's aggregate classification.

GeneReviews
No classification provided. Condition: Hereditary spastic paraplegia 11. Review status: no classification provided. Collection method: literature only. Allele origin: unknown. Not counted in ClinVar's aggregate classification.

Literature cited by the submitters: PubMed 16199547 (cited by Labcorp Genetics (formerly Invitae), Labcorp); PubMed 19105190 (cited by Labcorp Genetics (formerly Invitae), Labcorp); PubMed 20110243 (cited by Labcorp Genetics (formerly Invitae), Labcorp); PubMed 22154821 (cited by Labcorp Genetics (formerly Invitae), Labcorp); PubMed 26556829 (cited by Labcorp Genetics (formerly Invitae), Labcorp); PubMed 19513778 (cited by Labcorp Genetics (formerly Invitae), Labcorp and GeneReviews); PubMed 28119845 (cited by Labcorp Genetics (formerly Invitae), Labcorp); PubMed 20301389 (cited by GeneReviews); NCBI Bookshelf NBK1210 (cited by GeneReviews).

NM_025137.4(SPG11):c.3291+1G>T

Gene: SPG11 (SPG11 vesicle trafficking associated, spatacsin; minus strand). Cytogenetic location: 15q21.1.
Variant type: single nucleotide variant.
Coding change: c.3291+1G>T on transcript NM_025137.4 (MANE Select); the canonical splice donor site of the intron after coding-DNA position 3291, G replaced by T.
Molecular consequence: splice donor variant.
Genome position (GRCh38, 1-based): chr15:44,610,839, C>A on the plus strand (G>T on the coding strand, the complement: SPG11 is on the minus strand). VCF-style: chr15-44610839-C-A. GRCh37 (hg19) VCF-style: chr15-44903037-C-A.
Other names: c.3291+1G>T (NM_001411132.1, NM_001160227.2).
Identifiers: ClinVar variation 41304 (VCV000041304.8), dbSNP rs312262753, ClinGen allele CA344332.